The following is an entry in ClinVar:

ClinVar aggregate classification (germline): Pathogenic (1 of 4 stars; one submission).

Conditions:
Neuronal ceroid lipofuscinosis. Also called: Neuronal Ceroid Lipofuscinoses. Identifiers: Orphanet 216, Orphanet 79263, MedGen C0027877, MONDO:0016295. Disease mechanism: loss of function.

Submission:

Labcorp Genetics (formerly Invitae), Labcorp
Classification: Pathogenic for Neuronal ceroid lipofuscinosis. Last evaluated: 2021-03-24. Review status: criteria provided, single submitter. Criteria: Invitae Variant Classification Sherloc (09022015). Collection method: clinical testing. Allele origin: germline.
Comment: This sequence change creates a premature translational stop signal (p.Phe143Leufs*16) in the CLN8 gene. It is expected to result in an absent or disrupted protein product. Loss-of-function variants in CLN8 are known to be pathogenic (PMID: 15024724). This variant is present in population databases (rs759598033, ExAC 0.001%). This variant has not been reported in the literature in individuals with CLN8-related conditions. ClinVar contains an entry for this variant (Variation ID: 962311). For these reasons, this variant has been classified as Pathogenic.

Literature cited by the submitters: PubMed 15024724.

NM_018941.4(CLN8):c.429_432del (p.Phe143fs)

Gene: CLN8 (CLN8 transmembrane ER and ERGIC protein; plus strand). Cytogenetic location: 8p23.3.
Variant type: Deletion.
Coding change: c.429_432del on transcript NM_018941.4 (MANE Select); coding-DNA positions 429 to 432, 4 bases deleted (TCTT; older notation c.429_432delTCTT).
Protein change: p.Phe143fs; shifts the reading frame from phenylalanine 143.
Molecular consequence: frameshift variant.
Genome position (GRCh38, 1-based): chr8:1,771,483-1,771,486, TCTT deleted; deleting any 4 consecutive bases within chr8:1,771,480-1,771,486 gives the same sequence; the c. name uses the placement nearest the transcript's 3' end. VCF-style (leftmost placement, unchanged base first): chr8-1771479-CCTTT-C. GRCh37 (hg19) VCF-style: chr8-1719645-CCTTT-C.
Other names: short protein forms F143fs.
Identifiers: ClinVar variation 962311 (VCV000962311.7), dbSNP rs759598033, ClinGen allele CA4599262.
Genomic context (GRCh38, chr8:1,771,479, plus strand): 5'-ACCTGTCCAACTTGATCTTCCGGACATTTGACTTGTTTCTGGTTATCCACCATCTCTTTG[CCTTT>C]CTTGGGTTTCTTGGCTGCTTGGTCAATCTCCAAGCTGGCCACTATCTAGCTATGACCACG-3'